The following is an entry in ClinVar:

NM_052947.4(ALPK2):c.1517C>T (p.Ser506Leu)

Gene: ALPK2 (alpha kinase 2; minus strand). Cytogenetic location: 18q21.31.
Variant type: single nucleotide variant.
Coding change: c.1517C>T on transcript NM_052947.4 (MANE Select); coding-DNA position 1517, C replaced by T.
Protein change: p.Ser506Leu; replaces serine 506 with leucine.
Molecular consequence: missense variant.
Genome position (GRCh38, 1-based): chr18:58,579,259, G>A on the plus strand (C>T on the coding strand, the complement: ALPK2 is on the minus strand). VCF-style: chr18-58579259-G-A. GRCh37 (hg19) VCF-style: chr18-56246491-G-A.
Other names: short protein forms S506L.
Identifiers: ClinVar variation 3531846 (VCV003531846.1).

ClinVar aggregate classification (germline): Uncertain significance (1 of 4 stars; one submission).

Submission:

Ambry Genetics
Classification: Uncertain significance. Last evaluated: 2024-10-23. Review status: criteria provided, single submitter. Criteria: Ambry Variant Classification Scheme 2023. Collection method: clinical testing. Allele origin: germline.
Comment: The p.S506L variant (also known as c.1517C>T), located in coding exon 3 of the ALPK2 gene, results from a C to T substitution at nucleotide position 1517. The serine at codon 506 is replaced by leucine, an amino acid with dissimilar properties. This amino acid position is conserved. In addition, this alteration is predicted to be tolerated by in silico analysis. Based on the available evidence, the clinical significance of this variant remains unclear.